The following is an entry in ClinVar:

NM_001077365.2(POMT1):c.1605A>G (p.Arg535=)

Gene: POMT1 (protein O-mannosyltransferase 1; plus strand). Cytogenetic location: 9q34.13.
Variant type: single nucleotide variant.
Coding change: c.1605A>G on transcript NM_001077365.2 (MANE Select); coding-DNA position 1605, A replaced by G.
Protein change: p.Arg535=; no amino-acid change (arginine 535 retained).
Molecular consequence: synonymous variant. On other transcripts: non-coding transcript variant (10).
Genome position (GRCh38, 1-based): chr9:131,520,100, A>G. VCF-style: chr9-131520100-A-G. GRCh37 (hg19) VCF-style: chr9-134395487-A-G.
Other names: c.1671A>G, p.Arg557= (NM_007171.4, NM_001353193.2); c.1443A>G, p.Arg481= (NM_001077366.2, NM_001353194.2); c.1605A>G, p.Arg535= (NM_001136113.2); c.1254A>G, p.Arg418= (NM_001136114.2, NM_001353195.2, NM_001374691.1 and 2 more transcripts); c.1515A>G, p.Arg505= (NM_001353196.2); c.1509A>G, p.Arg503= (NM_001353197.2, NM_001353198.2); c.1320A>G, p.Arg440= (NM_001353199.2); c.1149A>G, p.Arg383= (NM_001353200.2); and 4 more.
Identifiers: ClinVar variation 2923896 (VCV002923896.19), dbSNP rs1211590149, ClinGen allele CA467423675.

ClinVar aggregate classification (germline): Likely benign. Review status: criteria provided, multiple submitters, no conflicts (2 of 4 stars). 2 submissions from 2 submitters: Likely benign (2). Last evaluated 2024-07-01.

Conditions:
Walker-Warburg congenital muscular dystrophy. Also called: Muscular dystrophy-dystroglycanopathy, type A; Walker-Warburg syndrome. Identifiers: Orphanet 899, MedGen C0265221, MONDO:0000171.
Muscular dystrophy-dystroglycanopathy (congenital with impaired intellectual development), type B, 1. Also called: MUSCULAR DYSTROPHY, CONGENITAL, POMT1-RELATED; Muscular dystrophy-dystroglycanopathy (congenital with intellectual disability), type B1. Identifiers: MedGen C5436962, MONDO:0013159, OMIM 613155.
Autosomal recessive limb-girdle muscular dystrophy type 2K. Also called: MUSCULAR DYSTROPHY-DYSTROGLYCANOPATHY (LIMB-GIRDLE), TYPE C, 1; MUSCULAR DYSTROPHY, LIMB-GIRDLE, TYPE 2K. Identifiers: Orphanet 86812, MedGen C1836373, MONDO:0012248, OMIM 609308.

Allele frequency attached by ClinVar (database versions not stated): TOPMed below 0.00001; gnomAD exomes 0.00001.
gnomAD v4.1: 10 of 1,613,724 alleles (0.00062%); highest among the groups gnomAD compares: Non-Finnish European, 0.00085%; no homozygotes.

Submissions (2):

CeGaT Center for Human Genetics Tuebingen
Classification: Likely benign. Last evaluated: 2024-07-01. Review status: criteria provided, single submitter. Criteria: CeGaT Center For Human Genetics Tuebingen Variant Classification Criteria Version 2. Collection method: clinical testing. Allele origin: germline. Affected: yes. Observed: 1 variant allele.
Comment: POMT1: PM2:Supporting, BP4, BP7

Labcorp Genetics (formerly Invitae), Labcorp
Classification: Likely benign for Muscular dystrophy-dystroglycanopathy (congenital with impaired intellectual development), type B, 1; Walker-Warburg congenital muscular dystrophy; Autosomal recessive limb-girdle muscular dystrophy type 2K. Last evaluated: 2024-02-06. Review status: criteria provided, single submitter. Criteria: Invitae Variant Classification Sherloc (09022015). Collection method: clinical testing. Allele origin: germline.